The following is an entry in ClinVar:

NM_003482.4(KMT2D):c.9834_9842dup (p.Gln3282_His3283insGlnGlnGln)

Gene: KMT2D (lysine methyltransferase 2D; minus strand). Cytogenetic location: 12q13.12.
Variant type: Duplication.
Coding change: c.9834_9842dup on transcript NM_003482.4 (MANE Select); coding-DNA positions 9834 to 9842, 9 bases duplicated (ACAGCAGCA; older notation c.9834_9842dupACAGCAGCA).
Protein change: p.Gln3282_His3283insGlnGlnGln.
Molecular consequence: inframe insertion.
Genome position (GRCh38, 1-based): chr12:49,037,514-49,037,522, TGCTGCTGT duplicated on the plus strand (ACAGCAGCA on the coding strand, the reverse complement: KMT2D is on the minus strand); duplicating any 9 consecutive bases within chr12:49,037,514-49,037,530 gives the same sequence; the c. name uses the placement nearest the transcript's 3' end. VCF-style (leftmost placement, unchanged base first): chr12-49037513-C-CTGCTGCTGT. GRCh37 (hg19) VCF-style: chr12-49431296-C-CTGCTGCTGT.
Identifiers: ClinVar variation 1921785 (VCV001921785.5), dbSNP rs1735446350, ClinGen allele CA2034955371.
Genomic context (GRCh38, chr12:49,037,513, plus strand): 5'-GCCCTCATGTGGCAAAGACATGGCCTGGGCAGGGCCTGGTGCAGACAGTAGGGAATGCTG[C>CTGCTGCTGT]TGCTGCTGTTGCTGCTGCTGCTGGGCAGGCTGCAACTGTGCTGAAAGCTGCTGCTTCTTC-3'

ClinVar aggregate classification (germline): Uncertain significance (1 of 4 stars; one submission).

Conditions:
Kabuki syndrome. Also called: NIIKAWA-KUROKI SYNDROME; Kabuki make-up syndrome. Identifiers: Orphanet 2322, MedGen C0796004, MONDO:0016512.

Submission:

Labcorp Genetics (formerly Invitae), Labcorp
Classification: Uncertain significance for Kabuki syndrome. Last evaluated: 2022-03-01. Review status: criteria provided, single submitter. Criteria: Invitae Variant Classification Sherloc (09022015). Collection method: clinical testing. Allele origin: germline.
Comment: In summary, the available evidence is currently insufficient to determine the role of this variant in disease. Therefore, it has been classified as a Variant of Uncertain Significance. This variant has not been reported in the literature in individuals affected with KMT2D-related conditions. This variant is not present in population databases (gnomAD no frequency). This variant, c.9834_9842dup, results in the insertion of 3 amino acid(s) of the KMT2D protein (p.Gln3280_Gln3282dup), but otherwise preserves the integrity of the reading frame.